The following is an entry in ClinVar:

ClinVar aggregate classification (germline): Uncertain significance (1 of 4 stars; one submission).

Allele frequency attached by ClinVar (database versions not stated): gnomAD exomes below 0.00001 and 0.00001; ExAC 0.00002.
gnomAD v4.1: 2 of 1,608,326 alleles (0.00012%); highest among the groups gnomAD compares: Non-Finnish European, 0.00017%; no homozygotes.

Submission:

Labcorp Genetics (formerly Invitae), Labcorp
Classification: Uncertain significance. Last evaluated: 2025-01-11. Review status: criteria provided, single submitter. Criteria: Invitae Variant Classification Sherloc (09022015). Collection method: clinical testing. Allele origin: germline.
Comment: This sequence change replaces alanine, which is neutral and non-polar, with threonine, which is neutral and polar, at codon 487 of the TFRC protein (p.Ala487Thr). This variant is present in population databases (rs777465794, gnomAD 0.002%). This variant has not been reported in the literature in individuals affected with TFRC-related conditions. ClinVar contains an entry for this variant (Variation ID: 1360748). Invitae Evidence Modeling of protein sequence and biophysical properties (such as structural, functional, and spatial information, amino acid conservation, physicochemical variation, residue mobility, and thermodynamic stability) indicates that this missense variant is not expected to disrupt TFRC protein function with a negative predictive value of 80%. In summary, the available evidence is currently insufficient to determine the role of this variant in disease. Therefore, it has been classified as a Variant of Uncertain Significance.

NM_001128148.3(TFRC):c.1459G>A (p.Ala487Thr)

Gene: TFRC (transferrin receptor; minus strand). Cytogenetic location: 3q29.
Variant type: single nucleotide variant.
Coding change: c.1459G>A on transcript NM_001128148.3 (MANE Select); coding-DNA position 1459, G replaced by A.
Protein change: p.Ala487Thr; replaces alanine 487 with threonine.
Molecular consequence: missense variant.
Genome position (GRCh38, 1-based): chr3:196,062,591, C>T on the plus strand (G>A on the coding strand, the complement: TFRC is on the minus strand). VCF-style: chr3-196062591-C-T. GRCh37 (hg19) VCF-style: chr3-195789462-C-T.
Other names: c.1216G>A, p.Ala406Thr (NM_001313965.2); c.613G>A, p.Ala205Thr (NM_001313966.2); c.1459G>A, p.Ala487Thr (NM_003234.4); short protein forms A205T, A406T, A487T.
Identifiers: ClinVar variation 1360748 (VCV001360748.6), dbSNP rs777465794, ClinGen allele CA2777920.
Genomic context (GRCh38, chr3:196,062,591, plus strand): 5'-CTCAAAAAAGTTTACCTGAATTCATACACAGCTAATGAAAGGGATACTTACCAAGAACCG[C>T]TTTATCCAGATTAATATAAGTGAAAGCCTTTAAATGCAGGGACGAAAGGTATCCCTAGAA-3'
Protein context (NP_001121620.1, residues 477-497): KAFTYINLDK[Ala487Thr]VLGTSNFKVS